The following is an entry in ClinVar:

NM_032776.3(JMJD1C):c.3248C>T (p.Ser1083Leu)

Gene: JMJD1C (jumonji domain containing 1C; minus strand). Cytogenetic location: 10q21.3.
Variant type: single nucleotide variant.
Coding change: c.3248C>T on transcript NM_032776.3 (MANE Select); coding-DNA position 3248, C replaced by T.
Protein change: p.Ser1083Leu; replaces serine 1083 with leucine.
Molecular consequence: missense variant. On other transcripts: non-coding transcript variant (1).
Genome position (GRCh38, 1-based): chr10:63,208,421, G>A on the plus strand (C>T on the coding strand, the complement: JMJD1C is on the minus strand). VCF-style: chr10-63208421-G-A. GRCh37 (hg19) VCF-style: chr10-64968181-G-A.
Other names: c.2702C>T, p.Ser901Leu (NM_001282948.2, NM_001318154.2); c.2384C>T, p.Ser795Leu (NM_001318153.2); c.3134C>T, p.Ser1045Leu (NM_001322252.2); c.2591C>T, p.Ser864Leu (NM_001322254.2, NM_001322258.2); short protein forms S1083L, S864L, S901L, S795L, S1045L.
Identifiers: ClinVar variation 576244 (VCV000576244.9), dbSNP rs367831647, ClinGen allele CA5518465.

ClinVar aggregate classification (germline): Uncertain significance (1 of 4 stars; one submission).

Conditions:
Early Myoclonic Encephalopathy. Identifiers: MedGen C0270855.

Allele frequency attached by ClinVar (database versions not stated): gnomAD 0.00013 and 0.00014; gnomAD exomes 0.00019 and 0.00007; ExAC 0.00006; ESP Exome Variant Server 0.00033; TOPMed 0.00010.
gnomAD v4.1: 291 of 1,613,834 alleles (0.018%); highest among the groups gnomAD compares: Non-Finnish European, 0.024%; no homozygotes.

Submission:

Labcorp Genetics (formerly Invitae), Labcorp
Classification: Uncertain significance for Early Myoclonic Encephalopathy. Last evaluated: 2025-07-30. Review status: criteria provided, single submitter. Criteria: Invitae Variant Classification Sherloc (09022015). Collection method: clinical testing. Allele origin: germline.
Comment: This sequence change replaces serine, which is neutral and polar, with leucine, which is neutral and non-polar, at codon 1083 of the JMJD1C protein (p.Ser1083Leu). This variant is present in population databases (rs367831647, gnomAD 0.01%). This variant has not been reported in the literature in individuals affected with JMJD1C-related conditions. ClinVar contains an entry for this variant (Variation ID: 576244). Invitae Evidence Modeling of protein sequence and biophysical properties (such as structural, functional, and spatial information, amino acid conservation, physicochemical variation, residue mobility, and thermodynamic stability) has been performed for this missense variant. However, the output from this modeling did not meet the statistical confidence thresholds required to predict the impact of this variant on JMJD1C protein function. In summary, the available evidence is currently insufficient to determine the role of this variant in disease. Therefore, it has been classified as a Variant of Uncertain Significance.